The following is an entry in ClinVar:

NM_000174.5(GP9):c.429G>A (p.Trp143Ter)

Gene: GP9 (glycoprotein IX platelet; plus strand). Cytogenetic location: 3q21.3.
Variant type: single nucleotide variant.
Coding change: c.429G>A on transcript NM_000174.5 (MANE Select); coding-DNA position 429, G replaced by A.
Protein change: p.Trp143Ter; replaces tryptophan 143 with a stop codon.
Molecular consequence: nonsense.
Genome position (GRCh38, 1-based): chr3:129,062,168, G>A. VCF-style: chr3-129062168-G-A. GRCh37 (hg19) VCF-style: chr3-128781011-G-A.
Other names: short protein forms W143*.
Identifiers: ClinVar variation 2503424 (VCV002503424.3), dbSNP rs1946586230, ClinGen allele CA354449290.

ClinVar aggregate classification (germline): Likely pathogenic. Review status: criteria provided, multiple submitters, no conflicts (2 of 4 stars). 3 submissions from 3 submitters: Likely pathogenic (2). 1 of the submissions does not count toward it. Last evaluated 2025-07-15.

Conditions:
Bernard Soulier syndrome (BSS). Also called: BLEEDING DISORDER, PLATELET-TYPE, 1; GLYCOPROTEIN Ib, PLATELET, DEFICIENCY OF; PLATELET GLYCOPROTEIN Ib DEFICIENCY; VON WILLEBRAND FACTOR RECEPTOR DEFICIENCY; Giant platelet syndrome; Hemorrhagiparous thrombocytic dystrophy. Identifiers: Orphanet 274, MedGen C0005129, MeSH D001606, MONDO:0009276, OMIM 231200.

gnomAD v4.1: 2 of 1,577,864 alleles (0.00013%); highest among the groups gnomAD compares: East Asian, 0.0023%; no homozygotes.

Submissions (3):

3billion
Classification: Likely pathogenic for Bernard Soulier syndrome. Last evaluated: 2025-07-15. Review status: criteria provided, single submitter. Criteria: ACMG Guidelines, 2015. Collection method: clinical testing. Allele origin: germline. Affected: yes.
Comment: The variant is observed at an extremely low frequency in the gnomAD v4.1.0 dataset (total allele frequency: <0.001%). Predicted Consequence/Location: Stop-gained (nonsense): predicted to result in a loss or disruption of normal protein function through protein truncation. The predicted truncated protein may be shortened by more than 10%. The variant has been reported at least twice as pathogenic without evidence for the classification (ClinVar ID: VCV002503424 /PMID: 8772211). Therefore, this variant is classified as Likely pathogenic according to the recommendation of ACMG/AMP guideline.

Genomic Medicine Center of Excellence, King Faisal Specialist Hospital and Research Centre
Classification: Likely pathogenic for Bernard Soulier syndrome. Last evaluated: 2024-03-25. Review status: criteria provided, single submitter. Criteria: ACMG Guidelines, 2015. Collection method: clinical testing. Allele origin: germline.

Clinical Laboratory Sciences Program (CLSP), King Saud bin Abdulaziz University for Health Sciences (KSAU-HS)
Classification: Likely pathogenic for Bernard Soulier syndrome. Last evaluated: 2023-04-01. Review status: no assertion criteria provided. Collection method: clinical testing. Allele origin: germline. Affected: yes. Not counted in ClinVar's aggregate classification.

Literature cited by the submitters: PubMed 8772211 (cited by 3billion).